The following is an entry in ClinVar:

ClinVar aggregate classification (germline): Uncertain significance (1 of 4 stars; one submission).

Allele frequency attached by ClinVar (database versions not stated): gnomAD 0.00001; TOPMed 0.00001; ExAC 0.00002.
gnomAD v4.1: 45 of 1,604,698 alleles (0.0028%); highest among the groups gnomAD compares: Non-Finnish European, 0.0036%; no homozygotes.

Submission:

CeGaT Center for Human Genetics Tuebingen
Classification: Uncertain significance. Last evaluated: 2024-01-01. Review status: criteria provided, single submitter. Criteria: CeGaT Center For Human Genetics Tuebingen Variant Classification Criteria Version 2. Collection method: clinical testing. Allele origin: germline. Affected: yes. Observed: 1 variant allele.
Comment: TNRC6C: PM2, BP4

NM_001142640.2(TNRC6C):c.1367A>G (p.Asn456Ser)

Gene: TNRC6C (trinucleotide repeat containing adaptor 6C; plus strand). Cytogenetic location: 17q25.3.
Variant type: single nucleotide variant.
Coding change: c.1367A>G on transcript NM_001142640.2 (MANE Select); coding-DNA position 1367, A replaced by G.
Protein change: p.Asn456Ser; replaces asparagine 456 with serine.
Molecular consequence: missense variant.
Genome position (GRCh38, 1-based): chr17:78,049,799, A>G. VCF-style: chr17-78049799-A-G. GRCh37 (hg19) VCF-style: chr17-76045880-A-G.
Other names: c.737A>G, p.Asn246Ser (NM_001395508.1, NM_001395511.1, NM_001395512.1 and 1 more transcripts); c.1367A>G, p.Asn456Ser (NM_001395509.1, NM_001395510.1); short protein forms N246S, N456S.
Identifiers: ClinVar variation 3025162 (VCV003025162.22), dbSNP rs750269752, ClinGen allele CA8794266.